The following is an entry in ClinVar:

NM_015001.3(SPEN):c.5190T>C (p.Tyr1730=)

Gene: SPEN (spen family transcriptional repressor; plus strand). Cytogenetic location: 1p36.13.
Variant type: single nucleotide variant.
Coding change: c.5190T>C on transcript NM_015001.3 (MANE Select); coding-DNA position 5190, T replaced by C.
Protein change: p.Tyr1730=; no amino-acid change (tyrosine 1730 retained).
Molecular consequence: synonymous variant.
Genome position (GRCh38, 1-based): chr1:15,931,430, T>C. VCF-style: chr1-15931430-T-C. GRCh37 (hg19) VCF-style: chr1-16257925-T-C.
Other names: c.5190T>C (NM_015001.2).
Identifiers: ClinVar variation 2638320 (VCV002638320.26), dbSNP rs140662069, ClinGen allele CA619683.

ClinVar aggregate classification (germline): Likely benign. Review status: criteria provided, multiple submitters, no conflicts (2 of 4 stars). 3 submissions from 3 submitters: Likely benign (2). 1 of the submissions does not count toward it. Last evaluated 2025-11-01.

Conditions:
SPEN-related disorder. Also called: SPEN-related condition.

Allele frequency attached by ClinVar (database versions not stated): 1000 Genomes Project 30x 0.00109; 1000 Genomes Project 0.00120; ExAC 0.00200; ESP Exome Variant Server 0.00238; gnomAD exomes 0.00158; gnomAD 0.00182; TOPMed 0.00188.
gnomAD v4.1: 2,633 of 1,614,146 alleles (0.16%); highest among the groups gnomAD compares: Middle Eastern, 0.86%; 11 homozygotes.

Submissions (3):

CeGaT Center for Human Genetics Tuebingen
Classification: Likely benign. Last evaluated: 2025-11-01. Review status: criteria provided, single submitter. Criteria: CeGaT Center For Human Genetics Tuebingen Variant Classification Criteria Version 2. Collection method: clinical testing. Allele origin: germline. Affected: yes. Observed: 9 variant alleles.
Comment: SPEN: BP4, BP7

Blueprint Genetics
Classification: Likely benign. Last evaluated: 2024-11-07. Review status: criteria provided, single submitter. Criteria: ACMG Guidelines, 2015. Collection method: clinical testing. Allele origin: germline.

PreventionGenetics, part of Exact Sciences
Classification: Likely benign for SPEN-related condition. Last evaluated: 2019-02-20. Review status: no assertion criteria provided. Collection method: clinical testing. Allele origin: germline. Not counted in ClinVar's aggregate classification.
Comment: This variant is classified as likely benign based on ACMG/AMP sequence variant interpretation guidelines (Richards et al. 2015 PMID: 25741868, with internal and published modifications).